The following is an entry in ClinVar:

NC_000001.10:g.(?_237965136)_(237995947_?)dup

Gene: RYR2 (ryanodine receptor 2; plus strand). Cytogenetic location: 1q43.
Variant type: Duplication.
Identifiers: ClinVar variation 2423531 (VCV002423531.4).

ClinVar aggregate classification (germline): Uncertain significance (1 of 4 stars; one submission).

Conditions:
Catecholaminergic polymorphic ventricular tachycardia 1. Also called: VENTRICULAR TACHYCARDIA, CATECHOLAMINERGIC POLYMORPHIC, 1, WITH OR WITHOUT ATRIAL DYSFUNCTION AND/OR DILATED CARDIOMYOPATHY; RYR2-Related Catecholaminergic Polymorphic Ventricular Tachycardia; VENTRICULAR TACHYCARDIA, STRESS-INDUCED POLYMORPHIC 1. Identifiers: Orphanet 3286, MedGen C1631597, MONDO:0011484, OMIM 604772.

Submission:

Labcorp Genetics (formerly Invitae), Labcorp
Classification: Uncertain significance for Catecholaminergic polymorphic ventricular tachycardia 1. Last evaluated: 2022-01-05. Review status: criteria provided, single submitter. Criteria: Invitae Variant Classification Sherloc (09022015). Collection method: clinical testing. Allele origin: germline.
Comment: This variant results in a copy number gain of the genomic region encompassing exon(s) 98-105 of the RYR2 gene. This region includes the termination codon of the gene. This copy number gain extends beyond the assayed region for this gene and therefore may encompass additional genes. As the precise location of this event is unknown, it may be in tandem or it may be located elsewhere in the genome. In summary, the available evidence is currently insufficient to determine the role of this variant in disease. Therefore, it has been classified as a Variant of Uncertain Significance. This variant has not been reported in the literature in individuals affected with RYR2-related conditions.